The following is an entry in ClinVar:

ClinVar aggregate classification (germline): Uncertain significance (1 of 4 stars; one submission).

Allele frequency attached by ClinVar (database versions not stated): TOPMed below 0.00001; gnomAD 0.00001; gnomAD exomes 0.00001 and 0.00002; ExAC 0.00002.
gnomAD v4.1: 14 of 1,613,932 alleles (0.00087%); highest among the groups gnomAD compares: Non-Finnish European, 0.00017%; no homozygotes.

Submission:

Labcorp Genetics (formerly Invitae), Labcorp
Classification: Uncertain significance. Last evaluated: 2024-10-21. Review status: criteria provided, single submitter. Criteria: Invitae Variant Classification Sherloc (09022015). Collection method: clinical testing. Allele origin: germline.
Comment: This sequence change falls in intron 13 of the IMPDH1 gene. It does not directly change the encoded amino acid sequence of the IMPDH1 protein. It affects a nucleotide within the consensus splice site. This variant is present in population databases (rs776385488, gnomAD 0.05%). This variant has not been reported in the literature in individuals affected with IMPDH1-related conditions. ClinVar contains an entry for this variant (Variation ID: 1414249). Variants that disrupt the consensus splice site are a relatively common cause of aberrant splicing (PMID: 17576681, 9536098). Algorithms developed to predict the effect of sequence changes on RNA splicing suggest that this variant is not likely to affect RNA splicing. In summary, the available evidence is currently insufficient to determine the role of this variant in disease. Therefore, it has been classified as a Variant of Uncertain Significance.

Literature cited by the submitters: PubMed 17576681; PubMed 9536098.

NM_000883.4(IMPDH1):c.1405+3G>A

Gene: IMPDH1 (inosine monophosphate dehydrogenase 1; minus strand). Cytogenetic location: 7q32.1.
Variant type: single nucleotide variant.
Coding change: c.1405+3G>A on transcript NM_000883.4 (MANE Select); 3 bases into the intron after coding-DNA position 1405, G replaced by A.
Molecular consequence: intron variant.
Genome position (GRCh38, 1-based): chr7:128,395,128, C>T on the plus strand (G>A on the coding strand, the complement: IMPDH1 is on the minus strand). VCF-style: chr7-128395128-C-T. GRCh37 (hg19) VCF-style: chr7-128035182-C-T.
Other names: c.1198+3G>A (NM_001304521.2); c.1297+3G>A (NM_183243.3); c.1375+3G>A (NM_001102605.2); c.1306+3G>A (NM_001142576.2); c.1075+3G>A (NM_001142575.2); c.1135+3G>A (NM_001142574.2); c.1150+3G>A (NM_001142573.2).
Identifiers: ClinVar variation 1414249 (VCV001414249.6), dbSNP rs776385488, ClinGen allele CA4470852.